The following is an entry in ClinVar:

ClinVar aggregate classification (germline): Conflicting classifications of pathogenicity. Review status: criteria provided, conflicting classifications (1 of 4 stars). 4 submissions from 4 submitters: Uncertain significance (1); Likely benign (3). Last evaluated 2026-01-11.

Conditions:
SNAI2-related disorder. Also called: SNAI2-related condition.

Allele frequency attached by ClinVar (database versions not stated): gnomAD exomes 0.00012 and 0.00033; ExAC 0.00030; 1000 Genomes Project 0.00060; gnomAD 0.00076 and 0.00086; 1000 Genomes Project 30x 0.00078; ESP Exome Variant Server 0.00092; TOPMed 0.00095.

Submissions (4):

Labcorp Genetics (formerly Invitae), Labcorp
Classification: Likely benign. Last evaluated: 2026-01-11. Review status: criteria provided, single submitter. Criteria: Invitae Variant Classification Sherloc (09022015). Collection method: clinical testing. Allele origin: germline.

PreventionGenetics, part of Exact Sciences
Classification: Likely benign for SNAI2-related condition. Last evaluated: 2025-01-31. Review status: criteria provided, single submitter. Criteria: ACMG Guidelines, 2015. Collection method: clinical testing. Allele origin: germline.
Comment: This variant is classified as likely benign based on ACMG/AMP sequence variant interpretation guidelines (Richards et al. 2015 PMID: 25741868, with internal and published modifications).

Ambry Genetics
Classification: Uncertain significance. Last evaluated: 2024-09-02. Review status: criteria provided, single submitter. Criteria: Ambry Variant Classification Scheme 2023. Collection method: clinical testing. Allele origin: germline.

Breakthrough Genomics
Classification: Likely benign. Review status: criteria provided, single submitter. Criteria: ACMG Guidelines, 2015. Collection method: not provided. Allele origin: germline. Inheritance: Autosomal recessive inheritance. Affected: yes.

NM_003068.5(SNAI2):c.146G>A (p.Ser49Asn)

Gene: SNAI2 (snail family transcriptional repressor 2; minus strand). Cytogenetic location: 8q11.21.
Variant type: single nucleotide variant.
Coding change: c.146G>A on transcript NM_003068.5 (MANE Select); coding-DNA position 146, G replaced by A.
Protein change: p.Ser49Asn; replaces serine 49 with asparagine.
Molecular consequence: missense variant.
Genome position (GRCh38, 1-based): chr8:48,920,375, C>T on the plus strand (G>A on the coding strand, the complement: SNAI2 is on the minus strand). VCF-style: chr8-48920375-C-T. GRCh37 (hg19) VCF-style: chr8-49832934-C-T.
Other names: short protein forms S49N.
Identifiers: ClinVar variation 778395 (VCV000778395.12), dbSNP rs79619080, ClinGen allele CA4743543.